The following is an entry in ClinVar:

ClinVar aggregate classification (germline): Uncertain significance (1 of 4 stars; one submission).

Conditions:
Malignant hyperthermia, susceptibility to, 1 (MHS1). Also called: Anesthesia related hyperthermia; Malignant hyperpyrexia; Fulminating hyperpyrexia; Pharmacogenic myopathy; RYR1-Related Malignant Hyperthermia Susceptibility; Malignant hyperthermia suceptibility 1. Identifiers: Orphanet 423, MedGen C2930980, MONDO:0007783, OMIM 145600.

Submission:

All of Us Research Program, National Institutes of Health
Classification: Uncertain significance for Malignant hyperthermia, susceptibility to, 1. Last evaluated: 2023-05-04. Review status: criteria provided, single submitter. Criteria: ACMG Guidelines, 2015. Collection method: clinical testing. Allele origin: germline. Inheritance: Autosomal dominant inheritance. Observed: 1 variant allele, 1 heterozygote.
Comment: This missense variant replaces threonine with asparagine at codon 2057 of the RYR1 protein. Computational prediction suggests that this variant may not impact protein structure and function (internally defined REVEL score threshold <= 0.5, PMID: 27666373). To our knowledge, functional studies have not been reported for this variant. This variant has not been reported in individuals affected with RYR1-related disorders in the literature. This variant has not been identified in the general population by the Genome Aggregation Database (gnomAD). The available evidence is insufficient to determine the role of this variant in disease conclusively. Therefore, this variant is classified as a Variant of Uncertain Significance.

This study involves interpretation of variants in research participants for the purpose of population health screening. Participant phenotype was not available at the time of variant classification. Additional details can be found in publication PMID: 35346344, PMCID: PMC8962531

NM_000540.3(RYR1):c.6170C>A (p.Thr2057Asn)

Gene: RYR1 (ryanodine receptor 1; plus strand). Cytogenetic location: 19q13.2.
Variant type: single nucleotide variant.
Coding change: c.6170C>A on transcript NM_000540.3 (MANE Select); coding-DNA position 6170, C replaced by A.
Protein change: p.Thr2057Asn; replaces threonine 2057 with asparagine.
Molecular consequence: missense variant.
Genome position (GRCh38, 1-based): chr19:38,492,532, C>A. VCF-style: chr19-38492532-C-A. GRCh37 (hg19) VCF-style: chr19-38983172-C-A.
Other names: c.6170C>A, p.Thr2057Asn (NM_001042723.2); short protein forms T2057N.
Identifiers: ClinVar variation 3070854 (VCV003070854.1), dbSNP rs1449491974, ClinGen allele CA405662042.